The following is an entry in ClinVar:

ClinVar aggregate classification (germline): Pathogenic/Likely pathogenic. Review status: criteria provided, multiple submitters, no conflicts (2 of 4 stars). 8 submissions from 8 submitters: Pathogenic (7); Likely pathogenic (1). Last evaluated 2025-09-22.

Conditions:
Oculocutaneous albinism type 1A (OCA1A). Also called: Albinism, oculocutaneous, type IA. Identifiers: Orphanet 352731, Orphanet 79431, MedGen C4551504, MONDO:0008745, OMIM 203100. Disease mechanism: loss of function.
SKIN/HAIR/EYE PIGMENTATION 3, LIGHT/DARK SKIN (SHEP3). Also called: SKIN/HAIR/EYE PIGMENTATION, VARIATION IN, 3; SKIN/HAIR/EYE PIGMENTATION 3, BLUE/GREEN EYE COLOR; SKIN/HAIR/EYE PIGMENTATION 3, FRECKLING; EYE COLOR 1; EYE COLOR, GREEN/BLUE. Identifiers: MedGen C2677190, OMIM 601800.
Oculocutaneous albinism type 1. Also called: Albinism 1; ALBINISM I. Identifiers: Orphanet 352731, MedGen C0268494, MONDO:0018135. Disease mechanism: loss of function.

Allele frequency attached by ClinVar (database versions not stated): gnomAD exomes 0.00001; TOPMed 0.00001.
gnomAD v4.1: 7 of 1,612,386 alleles (0.00043%); highest among the groups gnomAD compares: Non-Finnish European, 0.00059%; no homozygotes.

Submissions (8):

Labcorp Genetics (formerly Invitae), Labcorp
Classification: Pathogenic. Last evaluated: 2025-09-22. Review status: criteria provided, single submitter. Criteria: Invitae Variant Classification Sherloc (09022015). Collection method: clinical testing. Allele origin: germline.
Comment: This sequence change creates a premature translational stop signal (p.Gly346*) in the TYR gene. It is expected to result in an absent or disrupted protein product. Loss-of-function variants in TYR are known to be pathogenic (PMID: 23504663). This variant is present in population databases (no rsID available, gnomAD 0.003%). This premature translational stop signal has been observed in individual(s) with clinical features of ocular albinism (PMID: 8026428). ClinVar contains an entry for this variant (Variation ID: 437179). Algorithms developed to predict the effect of sequence changes on RNA splicing suggest that this variant may disrupt the consensus splice site. For these reasons, this variant has been classified as Pathogenic.

Myriad Genetics, Inc.
Classification: Pathogenic for Oculocutaneous albinism type 1. Last evaluated: 2024-06-13. Review status: criteria provided, single submitter. Criteria: Myriad Autosomal Dominant, Autosomal Recessive and X-Linked Classification Criteria (2023). Collection method: clinical testing. Allele origin: unknown.
Comment: NM_000372.4(TYR):c.1036G>T(G346*) is expected to be pathogenic in the context of oculocutaneous albinism, TYR-related. This variant is predicted to lead to an abnormal or absent protein product due to the creation of a premature termination codon in TYR, a gene where loss-of-function variants are known to be pathogenic. Please note: this variant was assessed in the context of healthy population screening.

Baylor Genetics
Classification: Pathogenic for SKIN/HAIR/EYE PIGMENTATION 3, LIGHT/DARK SKIN. Last evaluated: 2024-03-30. Review status: criteria provided, single submitter. Criteria: ACMG Guidelines, 2015. Collection method: clinical testing. Allele origin: unknown.

MGZ Medical Genetics Center
Classification: Likely pathogenic for Oculocutaneous albinism type 1A. Last evaluated: 2022-02-24. Review status: criteria provided, single submitter. Criteria: ACMG Guidelines, 2015. Collection method: clinical testing. Allele origin: germline. Affected: yes. Observed: 1 variant allele.
Comment: ACMG criteria applied: PVS1, PM2_SUP

Molecular Diagnostics Laboratory, M Health Fairview: University of Minnesota
Classification: Pathogenic for Oculocutaneous albinism type 1. Last evaluated: 2021-08-17. Review status: criteria provided, single submitter. Criteria: ACMG Guidelines, 2015. Collection method: clinical testing. Allele origin: germline. Affected: yes.

Genome-Nilou Lab
Classification: Pathogenic for Oculocutaneous albinism type 1A. Last evaluated: 2021-07-22. Review status: criteria provided, single submitter. Criteria: ACMG Guidelines, 2015. Collection method: clinical testing. Allele origin: germline. Affected: no.

CeGaT Center for Human Genetics Tuebingen
Classification: Pathogenic. Last evaluated: 2018-10-01. Review status: criteria provided, single submitter. Criteria: CeGaT Center For Human Genetics Tuebingen Variant Classification Criteria Version 2. Collection method: clinical testing. Allele origin: germline. Affected: yes. Observed: 1 variant allele.

Genetic Services Laboratory, University of Chicago
Classification: Pathogenic for Albinism, oculocutaneous, type IA. Last evaluated: 2016-03-29. Review status: criteria provided, single submitter. Criteria: ACMG Guidelines, 2015. Collection method: clinical testing. Allele origin: germline. Affected: yes.

Literature cited by the submitters: PubMed 23504663 (cited by Labcorp Genetics (formerly Invitae), Labcorp); PubMed 8026428 (cited by Labcorp Genetics (formerly Invitae), Labcorp).

NM_000372.5(TYR):c.1036G>T (p.Gly346Ter)

Gene: TYR (tyrosinase; plus strand). Cytogenetic location: 11q14.3.
Variant type: single nucleotide variant.
Coding change: c.1036G>T on transcript NM_000372.5 (MANE Select); coding-DNA position 1036, G replaced by T.
Protein change: p.Gly346Ter; replaces glycine 346 with a stop codon.
Molecular consequence: nonsense.
Genome position (GRCh38, 1-based): chr11:89,191,418, G>T. VCF-style: chr11-89191418-G-T. GRCh37 (hg19) VCF-style: chr11-88924586-G-T.
Other names: p.Gly346X; short protein forms G346*.
Identifiers: ClinVar variation 437179 (VCV000437179.56), dbSNP rs1013801316, ClinGen allele CA382036122.